The following is an entry in ClinVar:

NM_032043.3(BRIP1):c.1387T>C (p.Ser463Pro)

Gene: BRIP1 (BRCA1 interacting DNA helicase 1; minus strand). Cytogenetic location: 17q23.2.
Variant type: single nucleotide variant.
Coding change: c.1387T>C on transcript NM_032043.3 (MANE Select); coding-DNA position 1387, T replaced by C.
Protein change: p.Ser463Pro; replaces serine 463 with proline.
Molecular consequence: missense variant.
Genome position (GRCh38, 1-based): chr17:61,793,683, A>G on the plus strand (T>C on the coding strand, the complement: BRIP1 is on the minus strand). VCF-style: chr17-61793683-A-G. GRCh37 (hg19) VCF-style: chr17-59871044-A-G.
Other names: short protein forms S463P.
Identifiers: ClinVar variation 489811 (VCV000489811.15), dbSNP rs1555605920, ClinGen allele CA400482225.

ClinVar aggregate classification (germline): Uncertain significance. Review status: criteria provided, multiple submitters, no conflicts (2 of 4 stars). 2 submissions from 2 submitters: Uncertain significance (2). Last evaluated 2024-03-06.

Conditions:
Fanconi anemia complementation group J. Also called: BRIP1-Related Fanconi Anemia. Identifiers: Orphanet 84, MedGen C1836860, MONDO:0012187, OMIM 609054.
Familial cancer of breast. Also called: BREAST CANCER, FAMILIAL; hereditary breast carcinoma; Hereditary breast cancer. Identifiers: Orphanet 227535, MedGen C0346153, MONDO:0016419, OMIM 114480. Disease mechanism: loss of function.
Hereditary cancer-predisposing syndrome. Also called: Tumor predisposition; Neoplastic Syndromes, Hereditary; Hereditary Cancer Syndrome; Hereditary neoplastic syndrome. Identifiers: Orphanet 140162, MedGen C0027672, MeSH D009386, MONDO:0015356.

Submissions (2):

Color Diagnostics, LLC DBA Color Health
Classification: Uncertain significance for Hereditary cancer-predisposing syndrome. Last evaluated: 2024-03-06. Review status: criteria provided, single submitter. Criteria: ACMG Guidelines, 2015. Collection method: clinical testing. Allele origin: germline.
Comment: This missense variant replaces serine with proline at codon 463 of the BRIP1 protein. Computational prediction suggests that this variant may not impact protein structure and function (internally defined REVEL score threshold <= 0.5, PMID: 27666373). Splice site prediction tools suggest that this variant may not impact RNA splicing. To our knowledge, functional studies have not been performed for this variant. This variant has not been reported in individuals affected with hereditary cancer in the literature. This variant has not been identified in the general population by the Genome Aggregation Database (gnomAD). The available evidence is insufficient to determine the role of this variant in disease conclusively. Therefore, this variant is classified as a Variant of Uncertain Significance.

Labcorp Genetics (formerly Invitae), Labcorp
Classification: Uncertain significance for Familial cancer of breast; Fanconi anemia complementation group J. Last evaluated: 2021-08-31. Review status: criteria provided, single submitter. Criteria: Invitae Variant Classification Sherloc (09022015). Collection method: clinical testing. Allele origin: germline.
Comment: This sequence change replaces serine with proline at codon 463 of the BRIP1 protein (p.Ser463Pro). The serine residue is moderately conserved and there is a moderate physicochemical difference between serine and proline. This variant is not present in population databases (ExAC no frequency). This variant has not been reported in the literature in individuals affected with BRIP1-related conditions. ClinVar contains an entry for this variant (Variation ID: 489811). Algorithms developed to predict the effect of missense changes on protein structure and function are either unavailable or do not agree on the potential impact of this missense change (SIFT: "Tolerated"; PolyPhen-2: "Probably Damaging"; Align-GVGD: "Class C0"). In summary, the available evidence is currently insufficient to determine the role of this variant in disease. Therefore, it has been classified as a Variant of Uncertain Significance.